The following is an entry in ClinVar:

ClinVar aggregate classification (germline): Uncertain significance. Review status: criteria provided, multiple submitters, no conflicts (2 of 4 stars). 3 submissions from 3 submitters: Uncertain significance (3). Last evaluated 2024-05-01.

Conditions:
Inborn genetic diseases. Identifiers: MedGen C0950123, MeSH D030342.

Allele frequency attached by ClinVar (database versions not stated): gnomAD 0.00001; ExAC 0.00006.
gnomAD v4.1: 36 of 1,536,882 alleles (0.0023%); highest among the groups gnomAD compares: Non-Finnish European, 0.0032%; no homozygotes.

Submissions (3):

CeGaT Center for Human Genetics Tuebingen
Classification: Uncertain significance. Last evaluated: 2024-05-01. Review status: criteria provided, single submitter. Criteria: CeGaT Center For Human Genetics Tuebingen Variant Classification Criteria Version 2. Collection method: clinical testing. Allele origin: germline. Affected: yes. Observed: 1 variant allele.
Comment: KMT2C: PM2:Supporting

Labcorp Genetics (formerly Invitae), Labcorp
Classification: Uncertain significance. Last evaluated: 2023-04-26. Review status: criteria provided, single submitter. Criteria: Invitae Variant Classification Sherloc (09022015). Collection method: clinical testing. Allele origin: germline.
Comment: An algorithm developed to predict the effect of missense changes on protein structure and function (PolyPhen-2) suggests that this variant is likely to be disruptive. This variant has not been reported in the literature in individuals affected with KMT2C-related conditions. The frequency data for this variant in the population databases is considered unreliable, as metrics indicate poor data quality at this position in the gnomAD database. This sequence change replaces proline, which is neutral and non-polar, with leucine, which is neutral and non-polar, at codon 27 of the KMT2C protein (p.Pro27Leu). In summary, the available evidence is currently insufficient to determine the role of this variant in disease. Therefore, it has been classified as a Variant of Uncertain Significance.

Ambry Genetics
Classification: Uncertain significance for Inborn genetic diseases. Last evaluated: 2023-04-17. Review status: criteria provided, single submitter. Criteria: Ambry Variant Classification Scheme 2023. Collection method: clinical testing. Allele origin: germline.

NM_170606.3(KMT2C):c.80C>T (p.Pro27Leu)

Gene: KMT2C (lysine methyltransferase 2C; minus strand). Cytogenetic location: 7q36.1.
Variant type: single nucleotide variant.
Coding change: c.80C>T on transcript NM_170606.3 (MANE Select); coding-DNA position 80, C replaced by T.
Protein change: p.Pro27Leu; replaces proline 27 with leucine.
Molecular consequence: missense variant.
Genome position (GRCh38, 1-based): chr7:152,435,707, G>A on the plus strand (C>T on the coding strand, the complement: KMT2C is on the minus strand). VCF-style: chr7-152435707-G-A. GRCh37 (hg19) VCF-style: chr7-152132792-G-A.
Other names: short protein forms P27L.
Identifiers: ClinVar variation 2522226 (VCV002522226.24), dbSNP rs769792555, ClinGen allele CA4581834.